The following is an entry in ClinVar:

ClinVar aggregate classification (germline): Uncertain significance (1 of 4 stars; one submission).

Submission:

Labcorp Genetics (formerly Invitae), Labcorp
Classification: Uncertain significance. Last evaluated: 2025-07-02. Review status: criteria provided, single submitter. Criteria: Invitae Variant Classification Sherloc (09022015). Collection method: clinical testing. Allele origin: germline.
Comment: This sequence change replaces cysteine, which is neutral and slightly polar, with serine, which is neutral and polar, at codon 412 of the LOX protein (p.Cys412Ser). This variant is not present in population databases (gnomAD no frequency). This variant has not been reported in the literature in individuals affected with LOX-related conditions. Invitae Evidence Modeling of protein sequence and biophysical properties (such as structural, functional, and spatial information, amino acid conservation, physicochemical variation, residue mobility, and thermodynamic stability) indicates that this missense variant is expected to disrupt LOX protein function with a positive predictive value of 95%. In summary, the available evidence is currently insufficient to determine the role of this variant in disease. Therefore, it has been classified as a Variant of Uncertain Significance.

NM_002317.7(LOX):c.1234T>A (p.Cys412Ser)

Genes: SRFBP1 (serum response factor binding protein 1; plus strand), LOX (lysyl oxidase; minus strand). Cytogenetic location: 5q23.1.
Variant type: single nucleotide variant.
Coding change: c.1234T>A on transcript NM_002317.7 (MANE Select); coding-DNA position 1234, T replaced by A.
Protein change: p.Cys412Ser; replaces cysteine 412 with serine.
Molecular consequence: missense variant.
Genome position (GRCh38, 1-based): chr5:122,070,066, A>T on the plus strand (T>A on the coding strand, the complement: LOX is on the minus strand). VCF-style: chr5-122070066-A-T. GRCh37 (hg19) VCF-style: chr5-121405761-A-T.
Other names: c.544T>A, p.Cys182Ser (NM_001178102.2); c.343T>A, p.Cys115Ser (NM_001317073.1); short protein forms C115S, C182S, C412S.
Identifiers: ClinVar variation 4710005 (VCV004710005.1).